The following is an entry in ClinVar:

NM_001377137.1(GBF1):c.2951A>T (p.Lys984Ile)

Gene: GBF1 (golgi brefeldin A resistant guanine nucleotide exchange factor 1; plus strand). Cytogenetic location: 10q24.32.
Variant type: single nucleotide variant.
Coding change: c.2951A>T on transcript NM_001377137.1 (MANE Select); coding-DNA position 2951, A replaced by T.
Protein change: p.Lys984Ile; replaces lysine 984 with isoleucine.
Molecular consequence: missense variant. On other transcripts: non-coding transcript variant (5).
Genome position (GRCh38, 1-based): chr10:102,368,810, A>T. VCF-style: chr10-102368810-A-T. GRCh37 (hg19) VCF-style: chr10-104128567-A-T.
Other names: c.2951A>T, p.Lys984Ile (NM_001199378.2, NM_001391923.1); c.2948A>T, p.Lys983Ile (NM_001199379.2, NM_001377141.1, NM_001391924.1 and 3 more transcripts); c.2912A>T, p.Lys971Ile (NM_001377138.1, NM_001391925.1); c.2654A>T, p.Lys885Ile (NM_001377139.1, NM_001377140.1); c.3047A>T, p.Lys1016Ile (NM_001391922.1, NM_001411027.1); c.2915A>T, p.Lys972Ile (NM_001391926.1); c.2807A>T, p.Lys936Ile (NM_001391928.1); c.2711A>T, p.Lys904Ile (NM_001391929.1); and 2 more; short protein forms K1008I, K1016I, K857I, K885I, K904I, K936I, K971I, K972I.
Identifiers: ClinVar variation 4882521 (VCV004882521.2).

ClinVar aggregate classification (germline): Uncertain significance (1 of 4 stars; one submission).

gnomAD v4.1: 2 of 1,611,254 alleles (0.00012%); highest among the groups gnomAD compares: Non-Finnish European, 0.00017%; no homozygotes.

Submission:

Dasa
Classification: Uncertain significance. Last evaluated: 2025-01-31. Review status: criteria provided, single submitter. Criteria: DASA Assertion Criteria. Collection method: clinical testing. Allele origin: germline.
Comment: NM_001377137.1(GBF1):c.2951A>T (p.Lys984Ile) is a missense variant that results in the substitution of lysine with isoleucine. This variant is rare in population databases. Computational prediction algorithms are consistent with a deleterious effect. The currently available literature and clinical evidence are not sufficient to establish a definitive association between this variant and the reported condition. Therefore, this variant is classified as a variant of uncertain significance.